The following is an entry in ClinVar:

ClinVar aggregate classification (germline): Uncertain significance. Review status: criteria provided, multiple submitters, no conflicts (2 of 4 stars). 2 submissions from 2 submitters: Uncertain significance (2). Last evaluated 2025-01-17.

Conditions:
Hereditary cancer-predisposing syndrome. Also called: Hereditary neoplastic syndrome; Tumor predisposition; Hereditary Cancer Syndrome; Neoplastic Syndromes, Hereditary. Identifiers: Orphanet 140162, MedGen C0027672, MeSH D009386, MONDO:0015356.
Tuberous sclerosis 1 (TSC1). Identifiers: Orphanet 805, MedGen C1854465, MONDO:0008612, OMIM 191100.

Allele frequency attached by ClinVar (database versions not stated): gnomAD exomes below 0.00001.
gnomAD v4.1: 1 of 1,518,368 alleles (0.000066%); highest among the groups gnomAD compares: South Asian, 0.0011%; no homozygotes.

Submissions (2):

Ambry Genetics
Classification: Uncertain significance for Hereditary cancer-predisposing syndrome. Last evaluated: 2025-01-17. Review status: criteria provided, single submitter. Criteria: Ambry Variant Classification Scheme 2023. Collection method: clinical testing. Allele origin: germline.
Comment: The p.L896F variant (also known as c.2686C>T), located in coding exon 19 of the TSC1 gene, results from a C to T substitution at nucleotide position 2686. The leucine at codon 896 is replaced by phenylalanine, an amino acid with highly similar properties. This amino acid position is well conserved in available vertebrate species. In addition, this alteration is predicted to be tolerated by in silico analysis. Based on the available evidence, the clinical significance of this variant remains unclear.

Labcorp Genetics (formerly Invitae), Labcorp
Classification: Uncertain significance for Tuberous sclerosis 1. Last evaluated: 2023-10-28. Review status: criteria provided, single submitter. Criteria: Invitae Variant Classification Sherloc (09022015). Collection method: clinical testing. Allele origin: germline.
Comment: This sequence change replaces leucine, which is neutral and non-polar, with phenylalanine, which is neutral and non-polar, at codon 896 of the TSC1 protein (p.Leu896Phe). This variant is not present in population databases (gnomAD no frequency). This variant has not been reported in the literature in individuals affected with TSC1-related conditions. ClinVar contains an entry for this variant (Variation ID: 578105). Advanced modeling of protein sequence and biophysical properties (such as structural, functional, and spatial information, amino acid conservation, physicochemical variation, residue mobility, and thermodynamic stability) performed at Invitae indicates that this missense variant is not expected to disrupt TSC1 protein function with a negative predictive value of 95%. In summary, the available evidence is currently insufficient to determine the role of this variant in disease. Therefore, it has been classified as a Variant of Uncertain Significance.

NM_000368.5(TSC1):c.2686C>T (p.Leu896Phe)

Gene: TSC1 (TSC complex subunit 1; minus strand). Cytogenetic location: 9q34.13.
Variant type: single nucleotide variant.
Coding change: c.2686C>T on transcript NM_000368.5 (MANE Select); coding-DNA position 2686, C replaced by T.
Protein change: p.Leu896Phe; replaces leucine 896 with phenylalanine.
Molecular consequence: missense variant.
Genome position (GRCh38, 1-based): chr9:132,897,550, G>A on the plus strand (C>T on the coding strand, the complement: TSC1 is on the minus strand). VCF-style: chr9-132897550-G-A. GRCh37 (hg19) VCF-style: chr9-135772937-G-A.
Other names: c.2683C>T, p.Leu895Phe (NM_001162426.2); c.2533C>T, p.Leu845Phe (NM_001162427.2); c.2323C>T, p.Leu775Phe (NM_001362177.2); short protein forms L896F, L775F, L845F, L895F.
Identifiers: ClinVar variation 578105 (VCV000578105.9), dbSNP rs377132822, ClinGen allele CA375369477.